The following is an entry in ClinVar:

NM_001330360.2(POLA1):c.3242A>G (p.Lys1081Arg)

Gene: POLA1 (DNA polymerase alpha 1, catalytic subunit; plus strand). Cytogenetic location: Xp22.11.
Variant type: single nucleotide variant.
Coding change: c.3242A>G on transcript NM_001330360.2 (MANE Select); coding-DNA position 3242, A replaced by G.
Protein change: p.Lys1081Arg; replaces lysine 1081 with arginine.
Molecular consequence: missense variant. On other transcripts: non-coding transcript variant (2).
Genome position (GRCh38, 1-based): chrX:24,812,809, A>G. VCF-style: chrX-24812809-A-G. GRCh37 (hg19) VCF-style: chrX-24830926-A-G.
Other names: c.3167A>G, p.Lys1056Arg (NM_001378303.1); c.3224A>G, p.Lys1075Arg (NM_016937.4); short protein forms K1056R, K1075R, K1081R.
Identifiers: ClinVar variation 3037718 (VCV003037718.2), dbSNP rs2518669188, ClinGen allele CA412525493.

ClinVar aggregate classification (germline): Uncertain significance (0 of 4 stars; one submission).

Conditions:
POLA1-related disorder. Also called: POLA1-related condition.

Allele frequency attached by ClinVar (database versions not stated): gnomAD exomes below 0.00001.
gnomAD v4.1: 1 of 1,206,012 alleles (0.000083%); highest among the groups gnomAD compares: Non-Finnish European, 0.00011%; no homozygotes.

Submission:

PreventionGenetics, part of Exact Sciences
Classification: Uncertain significance for POLA1-related condition. Last evaluated: 2023-12-19. Review status: no assertion criteria provided. Collection method: clinical testing. Allele origin: germline.
Comment: The POLA1 c.3224A>G variant is predicted to result in the amino acid substitution p.Lys1075Arg. To our knowledge, this variant has not been reported in the literature or in a large population database), indicating this variant is rare. At this time, the clinical significance of this variant is uncertain due to the absence of conclusive functional and genetic evidence.